The following is an entry in ClinVar:

NM_001204.7(BMPR2):c.1530A>T (p.Arg510Ser)

Gene: BMPR2 (bone morphogenetic protein receptor type 2; plus strand). Cytogenetic location: 2q33.2.
Variant type: single nucleotide variant.
Coding change: c.1530A>T on transcript NM_001204.7 (MANE Select); coding-DNA position 1530, A replaced by T.
Protein change: p.Arg510Ser; replaces arginine 510 with serine.
Molecular consequence: missense variant.
Genome position (GRCh38, 1-based): chr2:202,552,832, A>T. VCF-style: chr2-202552832-A-T. GRCh37 (hg19) VCF-style: chr2-203417555-A-T.
Other names: short protein forms R510S.
Identifiers: ClinVar variation 4214548 (VCV004214548.1).

ClinVar aggregate classification (germline): Uncertain significance (1 of 4 stars; one submission).

Conditions:
Inborn genetic diseases. Identifiers: MedGen C0950123, MeSH D030342.

Submission:

Ambry Genetics
Classification: Uncertain significance for Inborn genetic diseases. Last evaluated: 2025-09-01. Review status: criteria provided, single submitter. Criteria: Ambry Variant Classification Scheme 2023. Collection method: clinical testing. Allele origin: germline.
Comment: The p.R510S variant (also known as c.1530A>T), located in coding exon 11 of the BMPR2 gene, results from an A to T substitution at nucleotide position 1530. The arginine at codon 510 is replaced by serine, an amino acid with dissimilar properties. This amino acid position is conserved. In addition, this alteration is predicted to be deleterious by in silico analysis. Based on the available evidence, the clinical significance of this variant remains unclear.